The following is an entry in ClinVar:

ClinVar aggregate classification (germline): Uncertain significance (1 of 4 stars; one submission).

Conditions:
Sulfite oxidase deficiency due to molybdenum cofactor deficiency type A. Also called: Molybdenum cofactor deficiency, complementation group A; Molybdenum Cofactor Deficiency A. Identifiers: Orphanet 308386, Orphanet 833, MedGen C1854988, MONDO:0009643, OMIM 252150.

Allele frequency attached by ClinVar (database versions not stated): TOPMed 0.00001; ExAC 0.00003; 1000 Genomes Project 30x 0.00016; 1000 Genomes Project 0.00020.
gnomAD v4.1: 14 of 1,595,660 alleles (0.00088%); highest among the groups gnomAD compares: East Asian, 0.0022%; no homozygotes.

Submission:

Labcorp Genetics (formerly Invitae), Labcorp
Classification: Uncertain significance for Sulfite oxidase deficiency due to molybdenum cofactor deficiency type A. Last evaluated: 2022-04-30. Review status: criteria provided, single submitter. Criteria: Invitae Variant Classification Sherloc (09022015). Collection method: clinical testing. Allele origin: germline.
Comment: This sequence change replaces arginine, which is basic and polar, with glutamine, which is neutral and polar, at codon 635 of the MOCS1 protein (p.Arg635Gln). This variant is present in population databases (rs180953829, gnomAD 0.007%). This variant has not been reported in the literature in individuals affected with MOCS1-related conditions. Algorithms developed to predict the effect of missense changes on protein structure and function output the following: SIFT: "Not Available"; PolyPhen-2: "Benign"; Align-GVGD: "Not Available". The glutamine amino acid residue is found in multiple mammalian species, which suggests that this missense change does not adversely affect protein function. In summary, the available evidence is currently insufficient to determine the role of this variant in disease. Therefore, it has been classified as a Variant of Uncertain Significance.

NM_001358530.2(MOCS1):c.1904G>A (p.Arg635Gln)

Gene: MOCS1 (molybdenum cofactor synthesis 1; minus strand). Cytogenetic location: 6p21.2.
Variant type: single nucleotide variant.
Coding change: c.1904G>A on transcript NM_001358530.2 (MANE Select); coding-DNA position 1904, G replaced by A.
Protein change: p.Arg635Gln; replaces arginine 635 with glutamine.
Molecular consequence: missense variant. On other transcripts: 3 prime UTR variant (4), non-coding transcript variant (1).
Genome position (GRCh38, 1-based): chr6:39,906,364, C>T on the plus strand (G>A on the coding strand, the complement: MOCS1 is on the minus strand). VCF-style: chr6-39906364-C-T. GRCh37 (hg19) VCF-style: chr6-39874140-C-T.
Other names: c.*761G>A (NM_001075098.4, NM_001358533.2, NM_001358534.2 and 1 more transcripts); c.1856G>A, p.Arg619Gln (NM_001358529.2); c.1643G>A, p.Arg548Gln (NM_001358531.2); short protein forms R548Q, R619Q, R635Q.
Identifiers: ClinVar variation 1976090 (VCV001976090.2), dbSNP rs180953829, ClinGen allele CA3795857.